The following is an entry in ClinVar:

NM_000138.5(FBN1):c.710del (p.Pro237fs)

Gene: FBN1 (fibrillin 1; minus strand). Cytogenetic location: 15q21.1.
Variant type: Deletion.
Coding change: c.710del on transcript NM_000138.5 (MANE Select); coding-DNA position 710, one base deleted (C; older notation c.710delC).
Protein change: p.Pro237fs; shifts the reading frame from proline 237.
Molecular consequence: frameshift variant.
Genome position (GRCh38, 1-based): chr15:48,537,637, G deleted on the plus strand (C on the coding strand, the reverse complement: FBN1 is on the minus strand); the first of 2 consecutive G bases (chr15:48,537,637-48,537,638); deleting either gives the same sequence. VCF-style (leftmost placement, unchanged base first): chr15-48537636-TG-T. GRCh37 (hg19) VCF-style: chr15-48829833-TG-T.
Other names: c.710del, p.Pro237fs (NM_001406716.1, NM_001406717.1); short protein forms P237fs.
Identifiers: ClinVar variation 2954158 (VCV002954158.3), dbSNP rs2505661150, ClinGen allele CA2740096690.
Genomic context (GRCh38, chr15:48,537,636, plus strand): 5'-TTAATCCATTAATAATTCCATCAGCCCGGGTTTACCTTGACAAGCTCCCGTGCGGATATT[TG>T]GAATGAAGCCACGGCGGCAGGGGTGAGGCTGGGCAGGACACATCTCACAGGGGTGGCCCC-3'

ClinVar aggregate classification (germline): Pathogenic (1 of 4 stars; one submission).

Conditions:
Marfan syndrome (MFS). Also called: MARFAN SYNDROME, TYPE I; Marfan syndrome type 1; Marfan's syndrome; Marfan syndrome, classic; FBN1-Related Marfan Syndrome. Identifiers: Orphanet 284963, Orphanet 558, MedGen C0024796, MONDO:0007947, OMIM 154700.
Familial thoracic aortic aneurysm and aortic dissection (TAAD). Also called: Thoracic aortic aneurysms and dissections. Identifiers: Orphanet 91387, MedGen C4707243, MONDO:0019625.

Submission:

Labcorp Genetics (formerly Invitae), Labcorp
Classification: Pathogenic for Marfan syndrome; Familial thoracic aortic aneurysm and aortic dissection. Last evaluated: 2023-11-24. Review status: criteria provided, single submitter. Criteria: Invitae Variant Classification Sherloc (09022015). Collection method: clinical testing. Allele origin: germline.
Comment: This sequence change creates a premature translational stop signal (p.Pro237Glnfs*93) in the FBN1 gene. It is expected to result in an absent or disrupted protein product. Loss-of-function variants in FBN1 are known to be pathogenic (PMID: 17657824, 19293843). This variant is not present in population databases (gnomAD no frequency). This variant has not been reported in the literature in individuals affected with FBN1-related conditions. For these reasons, this variant has been classified as Pathogenic.

Literature cited by the submitters: PubMed 17657824; PubMed 19293843.